The following is an entry in ClinVar:

ClinVar aggregate classification (germline): Likely benign. Review status: criteria provided, multiple submitters, no conflicts (2 of 4 stars). 2 submissions from 2 submitters: Likely benign (2). Last evaluated 2025-11-01.

Allele frequency attached by ClinVar (database versions not stated): ExAC 0.00001; gnomAD 0.00001; TOPMed 0.00002; gnomAD exomes 0.00005.
gnomAD v4.1: 82 of 1,613,762 alleles (0.0051%); highest among the groups gnomAD compares: Non-Finnish European, 0.0064%; no homozygotes.

Submissions (2):

CeGaT Center for Human Genetics Tuebingen
Classification: Likely benign. Last evaluated: 2025-11-01. Review status: criteria provided, single submitter. Criteria: CeGaT Center For Human Genetics Tuebingen Variant Classification Criteria Version 2. Collection method: clinical testing. Allele origin: germline. Affected: yes. Observed: 1 variant allele.
Comment: VPS13D: BP4, BP7

Labcorp Genetics (formerly Invitae), Labcorp
Classification: Likely benign. Last evaluated: 2025-01-13. Review status: criteria provided, single submitter. Criteria: Invitae Variant Classification Sherloc (09022015). Collection method: clinical testing. Allele origin: germline.

NM_015378.4(VPS13D):c.12282C>T (p.Val4094=)

Gene: VPS13D (vacuolar protein sorting 13 homolog D; plus strand). Cytogenetic location: 1p36.22.
Variant type: single nucleotide variant.
Coding change: c.12282C>T on transcript NM_015378.4 (MANE Select); coding-DNA position 12282, C replaced by T.
Protein change: p.Val4094=; no amino-acid change (valine 4094 retained).
Molecular consequence: synonymous variant.
Genome position (GRCh38, 1-based): chr1:12,416,776, C>T. VCF-style: chr1-12416776-C-T. GRCh37 (hg19) VCF-style: chr1-12476829-C-T.
Other names: c.12207C>T, p.Val4069= (NM_018156.4).
Identifiers: ClinVar variation 2415801 (VCV002415801.13), dbSNP rs760602632, ClinGen allele CA604173.